The following is an entry in ClinVar:

ClinVar aggregate classification (germline): Uncertain significance. Review status: criteria provided, multiple submitters, no conflicts (2 of 4 stars). 3 submissions from 3 submitters: Uncertain significance (2). 1 of the submissions does not count toward it. Last evaluated 2022-08-31.

Conditions:
C3-related disorder. Also called: C3-related condition.

Allele frequency attached by ClinVar (database versions not stated): gnomAD exomes below 0.00001; gnomAD 0.00001; TOPMed 0.00002.
gnomAD v4.1: 3 of 1,613,932 alleles (0.00019%); highest among the groups gnomAD compares: African/African-American, 0.0013%; no homozygotes.

Submissions (3):

Labcorp Genetics (formerly Invitae), Labcorp
Classification: Uncertain significance. Last evaluated: 2022-08-31. Review status: criteria provided, single submitter. Criteria: Invitae Variant Classification Sherloc (09022015). Collection method: clinical testing. Allele origin: germline.
Comment: Algorithms developed to predict the effect of sequence changes on RNA splicing suggest that this variant may disrupt the consensus splice site. This sequence change replaces asparagine, which is neutral and polar, with serine, which is neutral and polar, at codon 1423 of the C3 protein (p.Asn1423Ser). This variant is present in population databases (no rsID available, gnomAD 0.004%). This variant has not been reported in the literature in individuals affected with C3-related conditions. Algorithms developed to predict the effect of missense changes on protein structure and function output the following: SIFT: "Tolerated"; PolyPhen-2: "Benign"; Align-GVGD: "Class C0". The serine amino acid residue is found in multiple mammalian species, which suggests that this missense change does not adversely affect protein function. In summary, the available evidence is currently insufficient to determine the role of this variant in disease. Therefore, it has been classified as a Variant of Uncertain Significance.

Blueprint Genetics
Classification: Uncertain significance. Last evaluated: 2021-01-22. Review status: criteria provided, single submitter. Criteria: ACMG Guidelines, 2015. Collection method: clinical testing. Allele origin: germline.

PreventionGenetics, part of Exact Sciences
Classification: Uncertain significance for C3-related condition. Last evaluated: 2024-06-19. Review status: no assertion criteria provided. Collection method: clinical testing. Allele origin: germline. Not counted in ClinVar's aggregate classification.
Comment: The C3 c.4268A>G variant is predicted to result in the amino acid substitution p.Asn1423Ser. To our knowledge, this variant has not been reported in the literature. This variant is reported in 0.0040% of alleles in individuals of African descent in gnomAD. At this time, the clinical significance of this variant is uncertain due to the absence of conclusive functional and genetic evidence.

NM_000064.4(C3):c.4268A>G (p.Asn1423Ser)

Gene: C3 (complement C3; minus strand). Cytogenetic location: 19p13.3.
Variant type: single nucleotide variant.
Coding change: c.4268A>G on transcript NM_000064.4 (MANE Select); coding-DNA position 4268, A replaced by G.
Protein change: p.Asn1423Ser; replaces asparagine 1423 with serine.
Molecular consequence: missense variant.
Genome position (GRCh38, 1-based): chr19:6,682,023, T>C on the plus strand (A>G on the coding strand, the complement: C3 is on the minus strand). VCF-style: chr19-6682023-T-C. GRCh37 (hg19) VCF-style: chr19-6682034-T-C.
Other names: c.4268A>G (NM_000064.3); short protein forms N1423S.
Identifiers: ClinVar variation 2096445 (VCV002096445.6), dbSNP rs984274936, ClinGen allele CA304772935.